The following is an entry in ClinVar:

ClinVar aggregate classification (germline): Uncertain significance. Review status: criteria provided, multiple submitters, no conflicts (2 of 4 stars). 2 submissions from 2 submitters: Uncertain significance (2). Last evaluated 2025-03-24.

Conditions:
Hereditary cancer-predisposing syndrome. Also called: Hereditary Cancer Syndrome; Tumor predisposition; Hereditary neoplastic syndrome; Neoplastic Syndromes, Hereditary. Identifiers: Orphanet 140162, MedGen C0027672, MeSH D009386, MONDO:0015356.
Bloom syndrome (BLM). Also called: Bloom-Torre-Machacek syndrome. Identifiers: Orphanet 125, MedGen C0005859, MONDO:0008876, OMIM 210900.

gnomAD v4.1: 16 of 1,614,172 alleles (0.00099%); highest among the groups gnomAD compares: Non-Finnish European, 0.0014%; no homozygotes.

Submissions (2):

Labcorp Genetics (formerly Invitae), Labcorp
Classification: Uncertain significance for Bloom syndrome. Last evaluated: 2025-03-24. Review status: criteria provided, single submitter. Criteria: Invitae Variant Classification Sherloc (09022015). Collection method: clinical testing. Allele origin: germline.
Comment: This sequence change replaces tyrosine, which is neutral and polar, with phenylalanine, which is neutral and non-polar, at codon 995 of the BLM protein (p.Tyr995Phe). This variant is present in population databases (rs779755994, gnomAD 0.0009%). This variant has not been reported in the literature in individuals affected with BLM-related conditions. ClinVar contains an entry for this variant (Variation ID: 1055445). Invitae Evidence Modeling of protein sequence and biophysical properties (such as structural, functional, and spatial information, amino acid conservation, physicochemical variation, residue mobility, and thermodynamic stability) indicates that this missense variant is not expected to disrupt BLM protein function with a negative predictive value of 80%. In summary, the available evidence is currently insufficient to determine the role of this variant in disease. Therefore, it has been classified as a Variant of Uncertain Significance.

Ambry Genetics
Classification: Uncertain significance for Hereditary cancer-predisposing syndrome. Last evaluated: 2025-03-04. Review status: criteria provided, single submitter. Criteria: Ambry Variant Classification Scheme 2023. Collection method: clinical testing. Allele origin: germline.
Comment: The p.Y995F variant (also known as c.2984A>T), located in coding exon 14 of the BLM gene, results from an A to T substitution at nucleotide position 2984. The tyrosine at codon 995 is replaced by phenylalanine, an amino acid with highly similar properties. This amino acid position is conserved. In addition, the in silico prediction for this alteration is inconclusive. Since supporting evidence is limited at this time, the clinical significance of this alteration remains unclear.

NM_000057.4(BLM):c.2984A>T (p.Tyr995Phe)

Gene: BLM (BLM RecQ like helicase; plus strand). Cytogenetic location: 15q26.1.
Variant type: single nucleotide variant.
Coding change: c.2984A>T on transcript NM_000057.4 (MANE Select); coding-DNA position 2984, A replaced by T.
Protein change: p.Tyr995Phe; replaces tyrosine 995 with phenylalanine.
Molecular consequence: missense variant.
Genome position (GRCh38, 1-based): chr15:90,790,809, A>T. VCF-style: chr15-90790809-A-T. GRCh37 (hg19) VCF-style: chr15-91334039-A-T.
Other names: c.2984A>T (NM_000057.2); c.2984A>T, p.Tyr995Phe (NM_001287246.2, NM_001287247.2); c.1859A>T, p.Tyr620Phe (NM_001287248.2); short protein forms Y620F, Y995F.
Identifiers: ClinVar variation 1055445 (VCV001055445.8), dbSNP rs779755994, ClinGen allele CA7738903.
Genomic context (GRCh38, chr15:90,790,809, plus strand): 5'-AAGAATCTGGCAGAGCTGGAAGAGATGGGGAAATATCTCACTGCCTGCTTTTCTATACCT[A>T]TCATGATGTGACCAGACTGAAAAGACTTATAATGAGTAAGCTGGGCTCCATTGTAGAGAC-3'
Protein context (NP_000048.1, residues 985-1005): EISHCLLFYT[Tyr995Phe]HDVTRLKRLI